The following is an entry in ClinVar:

ClinVar aggregate classification (germline): Benign. Review status: criteria provided, multiple submitters, no conflicts (2 of 4 stars). 5 submissions from 5 submitters: Benign (4). 1 of the submissions does not count toward it. Last evaluated 2026-02-03.

Conditions:
KCND2-related disorder. Also called: KCND2-related condition.
Early Myoclonic Encephalopathy. Identifiers: MedGen C0270855.

Allele frequency attached by ClinVar (database versions not stated): gnomAD exomes 0.00064 and 0.00176; ExAC 0.00202; TOPMed 0.00758; 1000 Genomes Project 0.00599; gnomAD 0.00631 and 0.00687; 1000 Genomes Project 30x 0.00593; ESP Exome Variant Server 0.00753.
gnomAD v4.1: 1,960 of 1,613,810 alleles (0.12%); highest among the groups gnomAD compares: African/African-American, 2.2%; 20 homozygotes.

Submissions (5):

Labcorp Genetics (formerly Invitae), Labcorp
Classification: Benign for Early Myoclonic Encephalopathy. Last evaluated: 2026-02-03. Review status: criteria provided, single submitter. Criteria: Invitae Variant Classification Sherloc (09022015). Collection method: clinical testing. Allele origin: germline.

Women's Health and Genetics/Laboratory Corporation of America, LabCorp
Classification: Benign. Last evaluated: 2024-07-21. Review status: criteria provided, single submitter. Criteria: LabCorp Variant Classification Summary - May 2015. Collection method: clinical testing. Allele origin: germline.

Mayo Clinic Laboratories, Mayo Clinic
Classification: Benign. Last evaluated: 2024-06-21. Review status: criteria provided, single submitter. Criteria: ACMG Guidelines, 2015. Collection method: clinical testing. Allele origin: germline. Observed: 4 variant alleles.
Comment: BS1, BS2, BP4, BP7

Breakthrough Genomics
Classification: Benign. Review status: criteria provided, single submitter. Criteria: ACMG Guidelines, 2015. Collection method: not provided. Allele origin: germline. Inheritance: Unknown mechanism. Affected: yes.

PreventionGenetics, part of Exact Sciences
Classification: Benign for KCND2-related condition. Last evaluated: 2019-06-14. Review status: no assertion criteria provided. Collection method: clinical testing. Allele origin: germline. Not counted in ClinVar's aggregate classification.
Comment: This variant is classified as benign based on ACMG/AMP sequence variant interpretation guidelines (Richards et al. 2015 PMID: 25741868, with internal and published modifications).

NM_012281.3(KCND2):c.456G>A (p.Ala152=)

Gene: KCND2 (potassium voltage-gated channel subfamily D member 2; plus strand). Cytogenetic location: 7q31.31.
Variant type: single nucleotide variant.
Coding change: c.456G>A on transcript NM_012281.3 (MANE Select); coding-DNA position 456, G replaced by A.
Protein change: p.Ala152=; no amino-acid change (alanine 152 retained).
Molecular consequence: synonymous variant.
Genome position (GRCh38, 1-based): chr7:120,275,088, G>A. VCF-style: chr7-120275088-G-A. GRCh37 (hg19) VCF-style: chr7-119915142-G-A.
Other names: p.Ala152=.
Identifiers: ClinVar variation 460204 (VCV000460204.17), dbSNP rs116322872, ClinGen allele CA4453503.